The following is an entry in ClinVar:

NM_014714.4(IFT140):c.442T>C (p.Tyr148His)

Genes: IFT140 (intraflagellar transport 140; minus strand), LOC105371046 (uncharacterized LOC105371046; plus strand). Cytogenetic location: 16p13.3.
Variant type: single nucleotide variant.
Coding change: c.442T>C on transcript NM_014714.4 (MANE Select); coding-DNA position 442, T replaced by C.
Protein change: p.Tyr148His; replaces tyrosine 148 with histidine.
Molecular consequence: missense variant.
Genome position (GRCh38, 1-based): chr16:1,592,516, A>G on the plus strand (T>C on the coding strand, the complement: IFT140 is on the minus strand). VCF-style: chr16-1592516-A-G. GRCh37 (hg19) VCF-style: chr16-1642517-A-G.
Other names: short protein forms Y148H.
Identifiers: ClinVar variation 4037501 (VCV004037501.3).

ClinVar aggregate classification (germline): Uncertain significance. Review status: criteria provided, multiple submitters, no conflicts (2 of 4 stars). 3 submissions from 3 submitters: Uncertain significance (3). Last evaluated 2025-06-06.

Conditions:
Inborn genetic diseases. Identifiers: MedGen C0950123, MeSH D030342.

Submissions (3):

GeneDx
Classification: Uncertain significance. Last evaluated: 2025-06-06. Review status: criteria provided, single submitter. Criteria: GeneDx Variant Classification Process June 2021. Collection method: clinical testing. Allele origin: germline. Affected: yes.
Comment: Not observed at significant frequency in large population cohorts (gnomAD); In silico analysis suggests that this missense variant does not alter protein structure/function; Has not been previously published as pathogenic or benign to our knowledge

Ambry Genetics
Classification: Uncertain significance for Inborn genetic diseases. Last evaluated: 2025-04-13. Review status: criteria provided, single submitter. Criteria: Ambry Variant Classification Scheme 2023. Collection method: clinical testing. Allele origin: germline.

Blueprint Genetics
Classification: Uncertain significance. Last evaluated: 2019-03-07. Review status: criteria provided, single submitter. Criteria: ACMG Guidelines, 2015. Collection method: clinical testing. Allele origin: germline.